The following is an entry in ClinVar:

NM_020843.4(SCAPER):c.534G>A (p.Pro178=)

Gene: SCAPER (S-phase cyclin A associated protein in the ER; minus strand). Cytogenetic location: 15q24.3.
Variant type: single nucleotide variant.
Coding change: c.534G>A on transcript NM_020843.4 (MANE Select); coding-DNA position 534, G replaced by A.
Protein change: p.Pro178=; no amino-acid change (proline 178 retained).
Molecular consequence: synonymous variant. On other transcripts: 5 prime UTR variant (1), non-coding transcript variant (1).
Genome position (GRCh38, 1-based): chr15:76,800,325, C>T on the plus strand (G>A on the coding strand, the complement: SCAPER is on the minus strand). VCF-style: chr15-76800325-C-T. GRCh37 (hg19) VCF-style: chr15-77092666-C-T.
Other names: c.-364G>A (NM_001145923.2); c.534G>A, p.Pro178= (NM_001353009.2); c.132G>A, p.Pro44= (NM_001353010.2, NM_001353011.2, NM_001353012.2); c.534G>A (NM_001353009.1).
Identifiers: ClinVar variation 4926020 (VCV004926020.2).

ClinVar aggregate classification (germline): Likely benign. Review status: criteria provided, multiple submitters, no conflicts (2 of 4 stars). 2 submissions from 2 submitters: Likely benign (2). Last evaluated 2026-07-08.

Conditions:
SCAPER-related disorder. Also called: SCAPER-related condition.

gnomAD v4.1: 8 of 1,613,074 alleles (0.0005%); highest among the groups gnomAD compares: African/African-American, 0.004%; no homozygotes.

Submissions (2):

PreventionGenetics, part of Exact Sciences
Classification: Likely benign for SCAPER-related condition. Last evaluated: 2026-07-08. Review status: criteria provided, single submitter. Criteria: ACMG Guidelines, 2015. Collection method: clinical testing. Allele origin: germline.
Comment: This variant is classified as likely benign based on ACMG/AMP sequence variant interpretation guidelines (Richards et al. 2015 PMID: 25741868, with internal and published modifications).

Blueprint Genetics
Classification: Likely benign. Last evaluated: 2024-06-26. Review status: criteria provided, single submitter. Criteria: ACMG Guidelines, 2015. Collection method: clinical testing. Allele origin: germline.